The following is an entry in ClinVar:

NM_024514.5(CYP2R1):c.1059C>T (p.Asp353=)

Genes: PDE3B (phosphodiesterase 3B; plus strand), CYP2R1 (cytochrome P450 family 2 subfamily R member 1; minus strand). Cytogenetic location: 11p15.2.
Variant type: single nucleotide variant.
Coding change: c.1059C>T on transcript NM_024514.5 (MANE Select); coding-DNA position 1059, C replaced by T.
Protein change: p.Asp353=; no amino-acid change (aspartic acid 353 retained).
Molecular consequence: synonymous variant.
Genome position (GRCh38, 1-based): chr11:14,879,385, G>A on the plus strand (C>T on the coding strand, the complement: CYP2R1 is on the minus strand). VCF-style: chr11-14879385-G-A. GRCh37 (hg19) VCF-style: chr11-14900931-G-A.
Other names: p.Asp353=; c.714C>T, p.Asp238= (NM_001377214.1, NM_001377215.1, NM_001377216.1 and 1 more transcripts); c.897C>T, p.Asp299= (NM_001377217.1).
Identifiers: ClinVar variation 1167436 (VCV001167436.18), dbSNP rs117913124, ClinGen allele CA5896564.

ClinVar aggregate classification (germline): Benign/Likely benign. Review status: criteria provided, multiple submitters, no conflicts (2 of 4 stars). 6 submissions from 6 submitters: Benign (1); Likely benign (5). Last evaluated 2026-02-03.

Conditions:
Vitamin D hydroxylation-deficient rickets, type 1B. Also called: Rickets due to Defect in Vitamin D 25-hydroxylation; PSEUDOVITAMIN D3 DEFICIENCY RICKETS DUE TO 25-HYDROXYLASE DEFICIENCY; VITAMIN D-DEPENDENT RICKETS, TYPE 1B. Identifiers: Orphanet 289157, MedGen C1838657, MONDO:0010810, OMIM 600081.

Allele frequency attached by ClinVar (database versions not stated): 1000 Genomes Project 30x 0.01093; 1000 Genomes Project 0.01158; TOPMed 0.01507; gnomAD 0.01540 and 0.01543; gnomAD exomes 0.01734 and 0.02403; ExAC 0.01865; ESP Exome Variant Server 0.01971.
gnomAD v4.1: 37,180 of 1,609,060 alleles (2.3%); highest among the groups gnomAD compares: South Asian, 2.8%; 533 homozygotes.

Submissions (6):

Labcorp Genetics (formerly Invitae), Labcorp
Classification: Benign. Last evaluated: 2026-02-03. Review status: criteria provided, single submitter. Criteria: Invitae Variant Classification Sherloc (09022015). Collection method: clinical testing. Allele origin: germline.

Mayo Clinic Laboratories, Mayo Clinic
Classification: Likely benign. Last evaluated: 2025-05-16. Review status: criteria provided, single submitter. Criteria: ACMG Guidelines, 2015. Collection method: clinical testing. Allele origin: germline. Observed: 4 variant alleles.
Comment: BS1, BS2, BP4, BP7

Blueprint Genetics
Classification: Likely benign. Last evaluated: 2024-11-27. Review status: criteria provided, single submitter. Criteria: ACMG Guidelines, 2015. Collection method: clinical testing. Allele origin: germline.

Fulgent Genetics
Classification: Likely benign for Vitamin D hydroxylation-deficient rickets, type 1B. Last evaluated: 2021-11-14. Review status: criteria provided, single submitter. Criteria: ACMG Guidelines, 2015. Collection method: clinical testing. Allele origin: unknown.

GeneDx
Classification: Likely benign. Last evaluated: 2021-10-23. Review status: criteria provided, single submitter. Criteria: GeneDx Variant Classification Process June 2021. Collection method: clinical testing. Allele origin: germline. Affected: yes.

Breakthrough Genomics
Classification: Likely benign. Review status: criteria provided, single submitter. Criteria: ACMG Guidelines, 2015. Collection method: not provided. Allele origin: germline. Inheritance: Autosomal recessive inheritance. Affected: yes.

Literature cited by the submitters: PubMed 29545823 (cited by Mayo Clinic Laboratories, Mayo Clinic); PubMed 32059762 (cited by Mayo Clinic Laboratories, Mayo Clinic).